The following is an entry in ClinVar:

NM_017819.4(TRMT10C):c.775_778del (p.Val259fs)

Gene: TRMT10C (tRNA methyltransferase 10C, mitochondrial RNase P subunit; plus strand). Cytogenetic location: 3q12.3.
Variant type: Microsatellite.
Coding change: c.775_778del on transcript NM_017819.4 (MANE Select); coding-DNA positions 775 to 778, 4 bases deleted (GTTA; older notation c.775_778delGTTA).
Protein change: p.Val259fs; shifts the reading frame from valine 259.
Molecular consequence: frameshift variant.
Genome position (GRCh38, 1-based): chr3:101,565,556-101,565,559, GTTA deleted; deleting any 4 consecutive bases within chr3:101,565,551-101,565,559 gives the same sequence; the c. name uses the placement nearest the transcript's 3' end. VCF-style (leftmost placement, unchanged base first): chr3-101565550-GAGTT-G. GRCh37 (hg19) VCF-style: chr3-101284394-GAGTT-G.
Other names: c.775_778delGTTA (NM_017819.3); short protein forms V259fs.
Identifiers: ClinVar variation 1802196 (VCV001802196.9), dbSNP rs780421288, ClinGen allele CA2520575.

ClinVar aggregate classification (germline): Conflicting classifications of pathogenicity. Review status: criteria provided, conflicting classifications (1 of 4 stars). 3 submissions from 3 submitters: Likely pathogenic (1); Uncertain significance (2). Last evaluated 2025-06-16.

Conditions:
Combined oxidative phosphorylation defect type 30. Also called: Combined oxidative phosphorylation deficiency 30. Identifiers: Orphanet 478042, MedGen C5567605, MONDO:0014856, OMIM 616974.

Submissions (3):

Labcorp Genetics (formerly Invitae), Labcorp
Classification: Uncertain significance. Last evaluated: 2025-06-16. Review status: criteria provided, single submitter. Criteria: Invitae Variant Classification Sherloc (09022015). Collection method: clinical testing. Allele origin: germline.
Comment: This sequence change creates a premature translational stop signal (p.Val259Asnfs*12) in the TRMT10C gene. While this is not anticipated to result in nonsense mediated decay, it is expected to disrupt the last 145 amino acid(s) of the TRMT10C protein. This variant is present in population databases (rs780421288, gnomAD 0.02%). This variant has not been reported in the literature in individuals affected with TRMT10C-related conditions. In summary, the available evidence is currently insufficient to determine the role of this variant in disease. Therefore, it has been classified as a Variant of Uncertain Significance.

Women's Health and Genetics/Laboratory Corporation of America, LabCorp
Classification: Uncertain significance. Last evaluated: 2023-07-06. Review status: criteria provided, single submitter. Criteria: LabCorp Variant Classification Summary - May 2015. Collection method: clinical testing. Allele origin: germline.
Comment: Variant summary: RG9MTD1 or TRMT10C c.775_778delGTTA (p.Val259AsnfsX12) results in a premature termination codon, predicted to cause a truncation of the encoded protein or absence of the protein, however current evidence is not sufficient to establish loss-of-function variants in RG9MTD1 as causative of disease. The variant allele was found at a frequency of 3.2e-05 in 280742 control chromosomes (gnomAD). The available data on variant occurrences in the general population are insufficient to allow any conclusion about variant significance. To our knowledge, no occurrence of c.775_778delGTTA in individuals affected with Combined Oxidative Phosphorylation Defect Type 30 and no experimental evidence demonstrating its impact on protein function have been reported. Two submitters have cited clinical-significance assessments for this variant to ClinVar after 2014. One submitter classified the variant as likely pathogenic, and one submitter classified the variant as uncertain significance. Based on the evidence outlined above, the variant was classified as uncertain significance.

Diagnostics Services (NGS), CSIR - Centre For Cellular And Molecular Biology
Classification: Likely pathogenic for Combined oxidative phosphorylation defect type 30. Last evaluated: 2022-06-13. Review status: criteria provided, single submitter. Criteria: ACMG Guidelines, 2015. Collection method: clinical testing. Allele origin: unknown. Affected: no. Observed: 1 variant allele, 1 heterozygote.
Comment: The c.775_778del variant was identified as a part of carrier screening. This variant is not present in publicly available population databases like 1000 Genomes, EVS and Indian Exome Database. The heterozygous state of the variant is present in ExAC and gnomAD, at a low frequency. The variant is not present in our in-house exome database. The variant was not reported to ClinVar, Human Genome mutation database (HGMD) or OMIM databases, in any affected individuals. In-silico pathogenicity prediction programs like MutationTaster2, CADD, Varsome etc. predicted this variant to be likely deleterious. The variant causes frameshift at the 259th amino acid position of the wild-type transcript that creates a premature stopcodon at the 270th amino acid position fo the altered transcript that either results in creating a truncated protein or causes nonsense mediated decay of the mRNA.